The following is an entry in ClinVar:

ClinVar aggregate classification (germline): Pathogenic. Review status: criteria provided, multiple submitters, no conflicts (2 of 4 stars). 3 submissions from 3 submitters: Pathogenic (2). 1 of the submissions does not count toward it. Last evaluated 2025-03-09.

Conditions:
Waardenburg syndrome type 4C (WS4C). Also called: WAARDENBURG SYNDROME WITH HIRSCHSPRUNG DISEASE, TYPE 4C. Identifiers: Orphanet 897, MedGen C2750452, MONDO:0013202, OMIM 613266.
Hypogonadism with anosmia (KS). Also called: Anosmic idiopathic hypogonadotropic hypogonadism; Hypogonadotropic hypogonadism-anosmia syndrome; Dysplasia olfactogenitalis of De Morsier (formerly); Anosmic hypogonadism; Kallmann syndrome. Identifiers: Orphanet 478, MedGen C0162809, MONDO:0018800.

Submissions (3):

GeneDx
Classification: Pathogenic. Last evaluated: 2025-03-09. Review status: criteria provided, single submitter. Criteria: GeneDx Variant Classification Process June 2021. Collection method: clinical testing. Allele origin: germline. Affected: yes.
Comment: Nonsense variant predicted to result in protein truncation or nonsense mediated decay in a gene for which loss of function is a known mechanism of disease; Published in vitro functional analyses demonstrate this variant negatively effects protein expression and function (PMID: 33362852); Not observed at significant frequency in large population cohorts (gnomAD); This variant is associated with the following publications: (PMID: 34667088, 29419413, 33362852)

CeGaT Center for Human Genetics Tuebingen
Classification: Pathogenic. Last evaluated: 2018-08-01. Review status: criteria provided, single submitter. Criteria: CeGaT Center For Human Genetics Tuebingen Variant Classification Criteria Version 2. Collection method: clinical testing. Allele origin: germline. Affected: yes. Observed: 1 variant allele.

Department of Pediatrics, Division of Medical Genetics, Faculty of Medicine Ramathibodi Hospital, Mahidol University
Classification: Pathogenic for Waardenburg syndrome type 4C. Last evaluated: 2020-05-02. Review status: no assertion criteria provided. Collection method: research. Allele origin: de novo. Inheritance: Sporadic. Affected: yes. Observed: 1 heterozygote. Not counted in ClinVar's aggregate classification.
Comment: 1. de novo occurrence. 2. supporting evidences from functional studies: reporter assay confirmed severe disruption of MITF transcription activation activity ; subcellular localization study indicated deceased nuclear localization compared to wild type SOX10 and western blot analysis demonstrated the detection of aberrant size of the altered protein.

NM_006941.4(SOX10):c.89C>A (p.Ser30Ter)

Genes: POLR2F (RNA polymerase II, I and III subunit F; plus strand), SOX10 (SRY-box transcription factor 10; minus strand). Cytogenetic location: 22q13.1.
Variant type: single nucleotide variant.
Coding change: c.89C>A on transcript NM_006941.4 (MANE Select); coding-DNA position 89, C replaced by A.
Protein change: p.Ser30Ter; replaces serine 30 with a stop codon.
Molecular consequence: nonsense. On other transcripts: intron variant (3).
Genome position (GRCh38, 1-based): chr22:37,983,696, G>T on the plus strand (C>A on the coding strand, the complement: SOX10 is on the minus strand). VCF-style: chr22-37983696-G-T. GRCh37 (hg19) VCF-style: chr22-38379703-G-T.
Other names: c.*38+11386G>T (NM_001363825.1); c.294-2458G>T (NM_001301130.2); c.293+16526G>T (NM_001301131.2); short protein forms S30*.
Identifiers: ClinVar variation 871833 (VCV000871833.43), dbSNP rs1932477493, ClinGen allele CA411502148.